The following is an entry in ClinVar:

NM_001375405.1(CEP120):c.2119A>G (p.Ile707Val)

Gene: CEP120 (centrosomal protein 120; minus strand). Cytogenetic location: 5q23.2.
Variant type: single nucleotide variant.
Coding change: c.2119A>G on transcript NM_001375405.1 (MANE Select); coding-DNA position 2119, A replaced by G.
Protein change: p.Ile707Val; replaces isoleucine 707 with valine.
Molecular consequence: missense variant. On other transcripts: non-coding transcript variant (1).
Genome position (GRCh38, 1-based): chr5:123,378,413, T>C on the plus strand (A>G on the coding strand, the complement: CEP120 is on the minus strand). VCF-style: chr5-123378413-T-C. GRCh37 (hg19) VCF-style: chr5-122714107-T-C.
Other names: c.2041A>G, p.Ile681Val (NM_001166226.2); c.1984A>G, p.Ile662Val (NM_001375406.1); c.2119A>G, p.Ile707Val (NM_001375407.1, NM_153223.4); c.1546A>G, p.Ile516Val (NM_001375408.1, NM_001375409.1); c.2119A>G (NM_153223.3); short protein forms I707V, I681V, I516V, I662V.
Identifiers: ClinVar variation 596583 (VCV000596583.7), dbSNP rs200462051, ClinGen allele CA3386737.

ClinVar aggregate classification (germline): Uncertain significance. Review status: criteria provided, multiple submitters, no conflicts (2 of 4 stars). 3 submissions from 3 submitters: Uncertain significance (3). Last evaluated 2022-06-14.

Conditions:
Short-rib thoracic dysplasia 13 with or without polydactyly (SRTD13). Identifiers: Orphanet 474, MedGen C4225378, MONDO:0014577, OMIM 616300.
Inborn genetic diseases. Identifiers: MedGen C0950123, MeSH D030342.

Allele frequency attached by ClinVar (database versions not stated): gnomAD 0.00003 and 0.00004; gnomAD exomes 0.00004 and 0.00007; ExAC 0.00007.
gnomAD v4.1: 65 of 1,580,208 alleles (0.0041%); highest among the groups gnomAD compares: Non-Finnish European, 0.0047%; no homozygotes.

Submissions (3):

Labcorp Genetics (formerly Invitae), Labcorp
Classification: Uncertain significance for Short-rib thoracic dysplasia 13 with or without polydactyly. Last evaluated: 2022-06-14. Review status: criteria provided, single submitter. Criteria: Invitae Variant Classification Sherloc (09022015). Collection method: clinical testing. Allele origin: germline.
Comment: This sequence change replaces isoleucine, which is neutral and non-polar, with valine, which is neutral and non-polar, at codon 707 of the CEP120 protein (p.Ile707Val). This variant is present in population databases (rs200462051, gnomAD 0.01%). This variant has not been reported in the literature in individuals affected with CEP120-related conditions. ClinVar contains an entry for this variant (Variation ID: 596583). Algorithms developed to predict the effect of missense changes on protein structure and function output the following: SIFT: "Tolerated"; PolyPhen-2: "Benign"; Align-GVGD: "Class C0". The valine amino acid residue is found in multiple mammalian species, which suggests that this missense change does not adversely affect protein function. In summary, the available evidence is currently insufficient to determine the role of this variant in disease. Therefore, it has been classified as a Variant of Uncertain Significance.

Ambry Genetics
Classification: Uncertain significance for Inborn genetic diseases. Last evaluated: 2022-02-14. Review status: criteria provided, single submitter. Criteria: Ambry Variant Classification Scheme 2023. Collection method: clinical testing. Allele origin: germline.

Eurofins Ntd Llc (ga)
Classification: Uncertain significance. Last evaluated: 2018-03-14. Review status: criteria provided, single submitter. Criteria: EGL ClinVar v180209 classification definitions. Collection method: clinical testing. Allele origin: germline. Observed: 1 variant allele, 1 heterozygote.